The following is an entry in ClinVar:

NM_005120.3(MED12):c.2792G>A (p.Arg931Gln)

Gene: MED12 (mediator complex subunit 12; plus strand). Cytogenetic location: Xq13.1.
Variant type: single nucleotide variant.
Coding change: c.2792G>A on transcript NM_005120.3 (MANE Select); coding-DNA position 2792, G replaced by A.
Protein change: p.Arg931Gln; replaces arginine 931 with glutamine.
Molecular consequence: missense variant.
Genome position (GRCh38, 1-based): chrX:71,127,075, G>A. VCF-style: chrX-71127075-G-A. GRCh37 (hg19) VCF-style: chrX-70346925-G-A.
Other names: short protein forms R931Q.
Identifiers: ClinVar variation 4772890 (VCV004772890.1).

ClinVar aggregate classification (germline): Uncertain significance (1 of 4 stars; one submission).

Conditions:
FG syndrome (FGS). Identifiers: MedGen C0220769, MONDO:0002010.

Submission:

Labcorp Genetics (formerly Invitae), Labcorp
Classification: Uncertain significance for FG syndrome. Last evaluated: 2025-10-23. Review status: criteria provided, single submitter. Criteria: Invitae Variant Classification Sherloc (09022015). Collection method: clinical testing. Allele origin: germline.
Comment: This sequence change replaces arginine, which is basic and polar, with glutamine, which is neutral and polar, at codon 931 of the MED12 protein (p.Arg931Gln). This variant is not present in population databases (gnomAD no frequency). This variant has not been reported in the literature in individuals affected with MED12-related conditions. Invitae Evidence Modeling of protein sequence and biophysical properties (such as structural, functional, and spatial information, amino acid conservation, physicochemical variation, residue mobility, and thermodynamic stability) indicates that this missense variant is expected to disrupt MED12 protein function with a positive predictive value of 95%. In summary, the available evidence is currently insufficient to determine the role of this variant in disease. Therefore, it has been classified as a Variant of Uncertain Significance.